The following is an entry in ClinVar:

ClinVar aggregate classification (germline): Pathogenic. Review status: criteria provided, multiple submitters, no conflicts (2 of 4 stars). 2 submissions from 2 submitters: Pathogenic (2). Last evaluated 2025-09-25.

Conditions:
Congenital myopathy 18. Also called: DIHYDROPYRIDINE RECEPTOR CONGENITAL MYOPATHY; DHPR CONGENITAL MYOPATHY; Myopathy, congenital, due to dihydropyridine receptor defect. Identifiers: MedGen C5830283, MONDO:0859514, OMIM 620246.
Malignant hyperthermia, susceptibility to, 5 (MHS5). Also called: CACNA1S-Related Malignant Hyperthermia Susceptibility. Identifiers: Orphanet 423, MedGen C1866077, MONDO:0011163, OMIM 601887.
Hypokalemic periodic paralysis, type 1. Also called: Hypokalemic Periodic Paralysis Type 1 (AD); HypoPP. Identifiers: Orphanet 681, MedGen C3714580, MONDO:0042979, OMIM 170400.

Submissions (2):

Women's Health and Genetics/Laboratory Corporation of America, LabCorp
Classification: Pathogenic for Congenital myopathy 18. Last evaluated: 2025-09-25. Review status: criteria provided, single submitter. Criteria: LabCorp Variant Classification Summary - May 2015. Collection method: clinical testing. Allele origin: germline.
Comment: Variant summary: CACNA1S c.4618C>T (p.Gln1540X) results in a premature termination codon, predicted to cause a truncation of the encoded protein or absence of the protein due to nonsense mediated decay, which are commonly known mechanisms for disease. The variant was absent in 251482 control chromosomes. To our knowledge, no occurrence of c.4618C>T in individuals affected with CACNA1S-related conditions and no experimental evidence demonstrating its impact on protein function have been reported. ClinVar contains an entry for this variant (Variation ID: 2952810). Based on the evidence outlined above, the variant was classified as pathogenic.

Labcorp Genetics (formerly Invitae), Labcorp
Classification: Pathogenic for Hypokalemic periodic paralysis, type 1; Malignant hyperthermia, susceptibility to, 5. Last evaluated: 2023-10-22. Review status: criteria provided, single submitter. Criteria: Invitae Variant Classification Sherloc (09022015). Collection method: clinical testing. Allele origin: germline.
Comment: This sequence change creates a premature translational stop signal (p.Gln1540*) in the CACNA1S gene. It is expected to result in an absent or disrupted protein product. Loss-of-function variants in CACNA1S are known to be pathogenic (PMID: 26247046, 28012042). This variant is not present in population databases (gnomAD no frequency). This variant has not been reported in the literature in individuals affected with CACNA1S-related conditions. For these reasons, this variant has been classified as Pathogenic.

Literature cited by the submitters: PubMed 26247046 (cited by Labcorp Genetics (formerly Invitae), Labcorp); PubMed 28012042 (cited by Labcorp Genetics (formerly Invitae), Labcorp).

NM_000069.3(CACNA1S):c.4618C>T (p.Gln1540Ter)

Gene: CACNA1S (calcium voltage-gated channel subunit alpha1 S; minus strand). Cytogenetic location: 1q32.1.
Variant type: single nucleotide variant.
Coding change: c.4618C>T on transcript NM_000069.3 (MANE Select); coding-DNA position 4618, C replaced by T.
Protein change: p.Gln1540Ter; replaces glutamine 1540 with a stop codon.
Molecular consequence: nonsense.
Genome position (GRCh38, 1-based): chr1:201,047,165, G>A on the plus strand (C>T on the coding strand, the complement: CACNA1S is on the minus strand). VCF-style: chr1-201047165-G-A. GRCh37 (hg19) VCF-style: chr1-201016293-G-A.
Other names: short protein forms Q1540*.
Identifiers: ClinVar variation 2952810 (VCV002952810.4), dbSNP rs1351956022, ClinGen allele CA344141866.